The following is an entry in ClinVar:

ClinVar aggregate classification (germline): Uncertain significance (1 of 4 stars; one submission).

gnomAD v4.1: 1 of 1,485,358 alleles (0.000067%); highest among the groups gnomAD compares: Non-Finnish European, 0.000091%; no homozygotes.

Submission:

GeneDx
Classification: Uncertain significance. Last evaluated: 2026-02-24. Review status: criteria provided, single submitter. Criteria: GeneDx Variant Classification Process June 2021. Collection method: clinical testing. Allele origin: germline.
Comment: Not observed at significant frequency in large population cohorts (gnomAD); In silico analysis suggests that this variant does not alter splicing; Has not been previously published as pathogenic or benign to our knowledge

NM_001367943.1(TCF7L2):c.1371C>T (p.Asp457=)

Gene: TCF7L2 (transcription factor 7 like 2; plus strand). Cytogenetic location: 10q25.3.
Variant type: single nucleotide variant.
Coding change: c.1371C>T on transcript NM_001367943.1 (MANE Select); coding-DNA position 1371, C replaced by T.
Protein change: p.Asp457=; no amino-acid change (aspartic acid 457 retained).
Molecular consequence: synonymous variant. On other transcripts: intron variant (9).
Genome position (GRCh38, 1-based): chr10:113,159,921, C>T. VCF-style: chr10-113159921-C-T. GRCh37 (hg19) VCF-style: chr10-114919680-C-T.
Other names: c.1251C>T, p.Asp417= (NM_001146285.2); c.1317C>T, p.Asp439= (NM_001198525.2); c.1290C>T, p.Asp430= (NM_001198527.2); c.1302C>T, p.Asp434= (NM_001198528.2, NM_030756.5); c.942C>T, p.Asp314= (NM_001349870.2); c.822C>T, p.Asp274= (NM_001349871.1); c.1369+1204C>T (NM_001363501.2); c.1319-698C>T (NM_001146274.2); and 7 more.
Identifiers: ClinVar variation 5009818 (VCV005009818.1).